The following is an entry in ClinVar:

ClinVar aggregate classification (germline): Likely pathogenic (1 of 4 stars; one submission).

Conditions:
Grebe syndrome. Also called: ACROMESOMELIC DYSPLASIA, GREBE TYPE; GREBE DYSPLASIA; ACROMESOMELIC DYSPLASIA 2A. Identifiers: Orphanet 2098, MedGen C0265260, MONDO:0008703, OMIM 200700.

Submission:

OLLIN Analises Genomicas, OLLIN
Classification: Likely pathogenic for Grebe syndrome. Last evaluated: 2025-06-17. Review status: criteria provided, single submitter. Criteria: ACMG Guidelines 2015 PMID 25741868. Collection method: clinical testing. Allele origin: germline. Affected: yes. Observed: 1 variant allele.
Comment: The frameshift variant (chr20:35437502AG>A), located in exon 1 (of 2), is not reported in the gnomAD v4.1 non-UKB or ClinVar databases, nor has it been found in the scientific literature. This variant promotes a change in the reading frame with subsequent introduction of a premature stop codon, resulting in a truncated protein or mRNA degradation via nonsense-mediated decay (NMD). According to currently available evidence, this variant has been classified as likely pathogenic (PVS1, PM2_P).

NM_000557.5(GDF5):c.426del (p.Ser143fs)

Gene: GDF5 (growth differentiation factor 5; minus strand). Cytogenetic location: 20q11.22.
Variant type: Deletion.
Coding change: c.426del on transcript NM_000557.5 (MANE Select); coding-DNA position 426, one base deleted (C; older notation c.426delC).
Protein change: p.Ser143fs; shifts the reading frame from serine 143.
Molecular consequence: frameshift variant.
Genome position (GRCh38, 1-based): chr20:35,437,503, G deleted on the plus strand (C on the coding strand, the reverse complement: GDF5 is on the minus strand). VCF-style (leftmost placement, unchanged base first): chr20-35437502-AG-A. GRCh37 (hg19) VCF-style: chr20-34025282-AG-A.
Other names: c.426del, p.Ser143fs (NM_001319138.2); short protein forms S143fs.
Identifiers: ClinVar variation 4814133 (VCV004814133.1).